The following is an entry in ClinVar:

ClinVar aggregate classification (germline): Conflicting classifications of pathogenicity. Review status: criteria provided, conflicting classifications (1 of 4 stars). 2 submissions from 2 submitters: Uncertain significance (1); Likely benign (1). Last evaluated 2024-11-24.

Conditions:
Early-infantile DEE. Also called: Early infantile epileptic encephalopathy with suppression bursts; Early infantile epileptic encephalopathy; Ohtahara syndrome. Identifiers: Orphanet 1934, MedGen C0393706, MONDO:0800491.
Inborn genetic diseases. Identifiers: MedGen C0950123, MeSH D030342.

Allele frequency attached by ClinVar (database versions not stated): TOPMed 0.00001; gnomAD exomes 0.00002; ExAC 0.00003; gnomAD 0.00003 and 0.00004.
gnomAD v4.1: 25 of 1,609,162 alleles (0.0016%); highest among the groups gnomAD compares: Non-Finnish European, 0.0021%; no homozygotes.

Submissions (2):

Ambry Genetics
Classification: Likely benign for Inborn genetic diseases. Last evaluated: 2024-11-24. Review status: criteria provided, single submitter. Criteria: Ambry Variant Classification Scheme 2023. Collection method: clinical testing. Allele origin: germline.

Labcorp Genetics (formerly Invitae), Labcorp
Classification: Uncertain significance for Early-infantile DEE. Last evaluated: 2024-09-09. Review status: criteria provided, single submitter. Criteria: Invitae Variant Classification Sherloc (09022015). Collection method: clinical testing. Allele origin: germline.
Comment: This sequence change replaces methionine, which is neutral and non-polar, with valine, which is neutral and non-polar, at codon 94 of the HCN1 protein (p.Met94Val). This variant is present in population databases (rs773441535, gnomAD 0.006%). This missense change has been observed in individual(s) with clinical features of HCN1-related conditions (internal data). ClinVar contains an entry for this variant (Variation ID: 578939). Invitae Evidence Modeling of protein sequence and biophysical properties (such as structural, functional, and spatial information, amino acid conservation, physicochemical variation, residue mobility, and thermodynamic stability) indicates that this missense variant is not expected to disrupt HCN1 protein function with a negative predictive value of 80%. In summary, the available evidence is currently insufficient to determine the role of this variant in disease. Therefore, it has been classified as a Variant of Uncertain Significance.

NM_021072.4(HCN1):c.280A>G (p.Met94Val)

Gene: HCN1 (hyperpolarization activated cyclic nucleotide gated potassium channel 1; minus strand). Cytogenetic location: 5p12.
Variant type: single nucleotide variant.
Coding change: c.280A>G on transcript NM_021072.4 (MANE Select); coding-DNA position 280, A replaced by G.
Protein change: p.Met94Val; replaces methionine 94 with valine.
Molecular consequence: missense variant.
Genome position (GRCh38, 1-based): chr5:45,695,814, T>C on the plus strand (A>G on the coding strand, the complement: HCN1 is on the minus strand). VCF-style: chr5-45695814-T-C. GRCh37 (hg19) VCF-style: chr5-45695916-T-C.
Other names: short protein forms M94V.
Identifiers: ClinVar variation 578939 (VCV000578939.11), dbSNP rs773441535, ClinGen allele CA3259478.
Genomic context (GRCh38, chr5:45,695,814, plus strand): 5'-ACATGCGGAGGGAGAATTTGTTGACCCCGGGCTGCAGCATGGAGGTGAACTGCCTCTGCA[T>C]GAAGCCGTACTGCCGCCGGGGCCCCTCGGCGTCTTCGAAGCCCCCCGCCGGCTCCTCGCC-3'
Protein context (NP_066550.2, residues 84-104): AEGPRRQYGF[Met94Val]QRQFTSMLQP